The following is an entry in ClinVar:

NM_001128636.4(ELFN1):c.76C>T (p.Arg26Cys)

Gene: ELFN1 (extracellular leucine rich repeat and fibronectin type III domain containing 1; plus strand). Cytogenetic location: 7p22.3.
Variant type: single nucleotide variant.
Coding change: c.76C>T on transcript NM_001128636.4 (MANE Select); coding-DNA position 76, C replaced by T.
Protein change: p.Arg26Cys; replaces arginine 26 with cysteine.
Molecular consequence: missense variant.
Genome position (GRCh38, 1-based): chr7:1,744,672, C>T. VCF-style: chr7-1744672-C-T. GRCh37 (hg19) VCF-style: chr7-1784308-C-T.
Other names: c.76C>T, p.Arg26Cys (NM_001394187.1, NM_001394188.1); short protein forms R26C.
Identifiers: ClinVar variation 723258 (VCV000723258.8), dbSNP rs370941771, ClinGen allele CA4122315.
Genomic context (GRCh38, chr7:1,744,672, plus strand): 5'-TGGGGCGCGCTGTGGGTGTGCGTGGCGGCCGCCACCCTGCTGCACGCTGGCGGCCTGGCC[C>T]GCGCAGACTGCTGGCTGATCGAGGGCGACAAGGGCTTCGTGTGGCTGGCCATCTGCAGCC-3'
Protein context (NP_001122108.1, residues 16-36): ATLLHAGGLA[Arg26Cys]ADCWLIEGDK

ClinVar aggregate classification (germline): Conflicting classifications of pathogenicity. Review status: criteria provided, conflicting classifications (1 of 4 stars). 4 submissions from 4 submitters: Uncertain significance (1); Likely benign (2). 1 of the submissions does not count toward it. Last evaluated 2025-08-23.

Conditions:
ELFN1-related disorder. Also called: ELFN1-related condition.

Allele frequency attached by ClinVar (database versions not stated): 1000 Genomes Project 30x 0.00016; 1000 Genomes Project 0.00020; ExAC 0.00115; gnomAD exomes 0.00165; TOPMed 0.00175; gnomAD 0.00213 and 0.00223; ESP Exome Variant Server 0.00307.
gnomAD v4.1: 4,935 of 1,550,932 alleles (0.32%); highest among the groups gnomAD compares: Non-Finnish European, 0.41%; 14 homozygotes.

Submissions (4):

Ambry Genetics
Classification: Uncertain significance. Last evaluated: 2025-08-23. Review status: criteria provided, single submitter. Criteria: Ambry Variant Classification Scheme 2023. Collection method: clinical testing. Allele origin: germline.

Labcorp Genetics (formerly Invitae), Labcorp
Classification: Likely benign. Last evaluated: 2019-12-31. Review status: criteria provided, single submitter. Criteria: Invitae Variant Classification Sherloc (09022015). Collection method: clinical testing. Allele origin: germline.

Breakthrough Genomics
Classification: Likely benign. Review status: criteria provided, single submitter. Criteria: ACMG Guidelines, 2015. Collection method: not provided. Allele origin: germline. Inheritance: Unknown mechanism. Affected: yes.

PreventionGenetics, part of Exact Sciences
Classification: Likely benign for ELFN1-related condition. Last evaluated: 2023-07-11. Review status: no assertion criteria provided. Collection method: clinical testing. Allele origin: germline. Not counted in ClinVar's aggregate classification.
Comment: This variant is classified as likely benign based on ACMG/AMP sequence variant interpretation guidelines (Richards et al. 2015 PMID: 25741868, with internal and published modifications).